The following is an entry in ClinVar:

NM_000530.8(MPZ):c.107G>A (p.Arg36Lys)

Gene: MPZ (myelin protein zero; minus strand). Cytogenetic location: 1q23.3.
Variant type: single nucleotide variant.
Coding change: c.107G>A on transcript NM_000530.8 (MANE Select); coding-DNA position 107, G replaced by A.
Protein change: p.Arg36Lys; replaces arginine 36 with lysine.
Molecular consequence: missense variant.
Genome position (GRCh38, 1-based): chr1:161,307,385, C>T on the plus strand (G>A on the coding strand, the complement: MPZ is on the minus strand). VCF-style: chr1-161307385-C-T. GRCh37 (hg19) VCF-style: chr1-161277175-C-T.
Other names: c.107G>A, p.Arg36Lys (NM_001315491.2); short protein forms R36K.
Identifiers: ClinVar variation 1038508 (VCV001038508.8), dbSNP rs1670288965, ClinGen allele CA343351513.

ClinVar aggregate classification (germline): Uncertain significance (1 of 4 stars; one submission).

Conditions:
Charcot-Marie-Tooth disease, type I (CMT1). Also called: Charcot-Marie-Tooth, Type 1; Charcot-Marie-Tooth disease type 1. Identifiers: Orphanet 65753, MedGen C0751036, MONDO:0019011.

Submission:

Labcorp Genetics (formerly Invitae), Labcorp
Classification: Uncertain significance for Charcot-Marie-Tooth disease, type I. Last evaluated: 2014-08-28. Review status: criteria provided, single submitter. Criteria: Invitae Variant Classification Sherloc (09022015). Collection method: clinical testing. Allele origin: germline.
Comment: This sequence change results in the substitution of a Arginine for a Lysine at amino acid residue 36 of the MPZ protein (p.Arg36Lys). This sequence change has not been published in the literature and is not present in population databases. The Arg36 residue is not well conserved and algorithms developed to predict the effect of missense changes on protein structure and function (SIFT, MutationTaster, AlignGVGD) do not agree on the potential impact of this missense change. These predictions therefore do not influence the variant classification. In summary, this is a novel missense change. Although there is no evidence to suggest that this sequence change affects protein function or causes disease, the evidence is insufficient at this time to prove that conclusively. Therefore, it has been classified as a Variant of Uncertain Significance.